The following is an entry in ClinVar:

NM_030973.4(MED25):c.1674+19C>T

Gene: MED25 (mediator complex subunit 25; plus strand). Cytogenetic location: 19q13.33.
Variant type: single nucleotide variant.
Coding change: c.1674+19C>T on transcript NM_030973.4 (MANE Select); 19 bases into the intron after coding-DNA position 1674, C replaced by T.
Molecular consequence: intron variant.
Genome position (GRCh38, 1-based): chr19:49,835,196, C>T. VCF-style: chr19-49835196-C-T. GRCh37 (hg19) VCF-style: chr19-50338453-C-T.
Other names: c.1674+19C>T (NM_001378355.1).
Identifiers: ClinVar variation 138199 (VCV000138199.11), dbSNP rs752522, ClinGen allele CA292040.

ClinVar aggregate classification (germline): Benign. Review status: criteria provided, multiple submitters, no conflicts (2 of 4 stars). 4 submissions from 4 submitters: Benign (4). Last evaluated 2026-02-04.

Conditions:
Charcot-Marie-Tooth disease type 2. Also called: Charcot-Marie-Tooth type 2. Identifiers: Orphanet 64746, MedGen C0270914, MONDO:0018993.
Charcot-Marie-Tooth disease. Also called: Charcot-Marie-Tooth Neuropathy; Charcot-Marie-Tooth Hereditary Neuropathy. Identifiers: Orphanet 166, MedGen C0007959, MONDO:0015626.

Allele frequency attached by ClinVar (database versions not stated): TOPMed 0.11333; 1000 Genomes Project 0.08966; ESP Exome Variant Server 0.11987; 1000 Genomes Project 30x 0.08807.
gnomAD v4.1: 220,600 of 1,613,184 alleles (14%); highest among the groups gnomAD compares: Non-Finnish European, 15%; 16,058 homozygotes.

Submissions (4):

Labcorp Genetics (formerly Invitae), Labcorp
Classification: Benign for Charcot-Marie-Tooth disease type 2. Last evaluated: 2026-02-04. Review status: criteria provided, single submitter. Criteria: Invitae Variant Classification Sherloc (09022015). Collection method: clinical testing. Allele origin: germline.

GeneDx
Classification: Benign. Last evaluated: 2014-03-24. Review status: criteria provided, single submitter. Criteria: GeneDx Variant Classification (06012015). Collection method: clinical testing. Allele origin: germline. Affected: yes.
Comment: This variant is considered likely benign or benign based on one or more of the following criteria: it is a conservative change, it occurs at a poorly conserved position in the protein, it is predicted to be benign by multiple in silico algorithms, and/or has population frequency not consistent with disease.

Breakthrough Genomics
Classification: Benign. Review status: criteria provided, single submitter. Criteria: ACMG Guidelines, 2015. Collection method: not provided. Allele origin: germline. Inheritance: Autosomal recessive inheritance. Affected: yes.

Molecular Genetics Laboratory, London Health Sciences Centre
Classification: Benign for Charcot-Marie-Tooth disease. Review status: criteria provided, single submitter. Criteria: ACMG Guidelines, 2015. Collection method: clinical testing. Allele origin: germline. Affected: yes.